The following is an entry in ClinVar:

ClinVar aggregate classification (germline): Uncertain significance (1 of 4 stars; one submission).

Submission:

Ambry Genetics
Classification: Uncertain significance. Last evaluated: 2025-05-07. Review status: criteria provided, single submitter. Criteria: Ambry Variant Classification Scheme 2023. Collection method: clinical testing. Allele origin: germline.
Comment: The p.D387G variant (also known as c.1160A>G), located in coding exon 11 of the KIF1B gene, results from an A to G substitution at nucleotide position 1160. The aspartic acid at codon 387 is replaced by glycine, an amino acid with similar properties. This amino acid position is highly conserved in available vertebrate species. In addition, the in silico prediction for this alteration is inconclusive. The evidence for this gene-disease relationship is limited; therefore, the clinical significance of this alteration is unclear.

NM_001365951.3(KIF1B):c.1178A>G (p.Asp393Gly)

Gene: KIF1B (kinesin family member 1B; plus strand). Cytogenetic location: 1p36.22.
Variant type: single nucleotide variant.
Coding change: c.1178A>G on transcript NM_001365951.3 (MANE Select); coding-DNA position 1178, A replaced by G.
Protein change: p.Asp393Gly; replaces aspartic acid 393 with glycine.
Molecular consequence: missense variant.
Genome position (GRCh38, 1-based): chr1:10,278,126, A>G. VCF-style: chr1-10278126-A-G. GRCh37 (hg19) VCF-style: chr1-10338184-A-G.
Other names: c.1178A>G, p.Asp393Gly (NM_001365952.1); c.1160A>G, p.Asp387Gly (NM_001365953.1, NM_015074.3, NM_183416.4); short protein forms D387G, D393G.
Identifiers: ClinVar variation 4043066 (VCV004043066.1).
Genomic context (GRCh38, chr1:10,278,126, plus strand): 5'-AGGAGGAGGTGACACGGCTGAAGGACCTTCTTCGTGCTCAGGGCCTGGGAGATATTATTG[A>G]TAGTAAGTGAATTAAGGATCGTTACAAAATCTAATCCTTTCTTCTTCAGGGTTCTTATTC-3'
Protein context (NP_001352880.1, residues 383-403): LRAQGLGDII[Asp393Gly]IDPLIDDYSG